The following is an entry in ClinVar:

NM_145290.4(ADGRA3):c.3295A>G (p.Thr1099Ala)

Gene: ADGRA3 (adhesion G protein-coupled receptor A3; minus strand). Cytogenetic location: 4p15.2.
Variant type: single nucleotide variant.
Coding change: c.3295A>G on transcript NM_145290.4 (MANE Select); coding-DNA position 3295, A replaced by G.
Protein change: p.Thr1099Ala; replaces threonine 1099 with alanine.
Molecular consequence: missense variant.
Genome position (GRCh38, 1-based): chr4:22,388,376, T>C on the plus strand (A>G on the coding strand, the complement: ADGRA3 is on the minus strand). VCF-style: chr4-22388376-T-C. GRCh37 (hg19) VCF-style: chr4-22389999-T-C.
Other names: short protein forms T1099A.
Identifiers: ClinVar variation 1993404 (VCV001993404.4), dbSNP rs2474686821, ClinGen allele CA356473197.
Genomic context (GRCh38, chr4:22,388,376, plus strand): 5'-GCAAGTTTGTTAATTTGCAGCCCTGGGAGGAATTTTTGAAGCTTGAAGCACTTTTGTTTG[T>C]GCATGAAGACTCCGCACTGCTATTGGGGCATTTGGGTGCCTCTCCATTCGTCCCATTAGA-3'
Protein context (NP_660333.2, residues 1089-1109): CPNSSAESSC[Thr1099Ala]NKSASSFKNS

ClinVar aggregate classification (germline): Uncertain significance (1 of 4 stars; one submission).

Submission:

Labcorp Genetics (formerly Invitae), Labcorp
Classification: Uncertain significance. Last evaluated: 2024-10-29. Review status: criteria provided, single submitter. Criteria: Invitae Variant Classification Sherloc (09022015). Collection method: clinical testing. Allele origin: germline.
Comment: This sequence change replaces threonine, which is neutral and polar, with alanine, which is neutral and non-polar, at codon 1099 of the ADGRA3 protein (p.Thr1099Ala). This variant is not present in population databases (gnomAD no frequency). This variant has not been reported in the literature in individuals affected with ADGRA3-related conditions. ClinVar contains an entry for this variant (Variation ID: 1993404). An algorithm developed to predict the effect of missense changes on protein structure and function (PolyPhen-2) suggests that this variant is likely to be disruptive. In summary, the available evidence is currently insufficient to determine the role of this variant in disease. Therefore, it has been classified as a Variant of Uncertain Significance.